The following is an entry in ClinVar:

NM_001039591.3(USP9X):c.4068A>C (p.Leu1356=)

Gene: USP9X (ubiquitin specific peptidase 9 X-linked; plus strand). Cytogenetic location: Xp11.4.
Variant type: single nucleotide variant.
Coding change: c.4068A>C on transcript NM_001039591.3 (MANE Select); coding-DNA position 4068, A replaced by C.
Protein change: p.Leu1356=; no amino-acid change (leucine 1356 retained).
Molecular consequence: synonymous variant.
Genome position (GRCh38, 1-based): chrX:41,196,341, A>C. VCF-style: chrX-41196341-A-C. GRCh37 (hg19) VCF-style: chrX-41055594-A-C.
Other names: c.4068A>C, p.Leu1356= (NM_001039590.3); c.4083A>C, p.Leu1361= (NM_001410748.1, NM_001410749.1, NM_001437534.1).
Identifiers: ClinVar variation 4984132 (VCV004984132.1).
Genomic context (GRCh38, chrX:41,196,341, plus strand): 5'-CTTTTTAATGTGCACCAGATGTTGCATGGGACACCGGCCTCTACTTTTCTTCATTACTCT[A>C]CTCTTTACTGTTTTGGGGGTGAGACTTTTTAAAATATGCTTATCAATGTGATTCATTCTT-3'
Protein context (NP_001034680.2, residues 1346-1366): GHRPLLFFIT[Leu1356=]LFTVLGSTAR

ClinVar aggregate classification (germline): Likely benign (1 of 4 stars; one submission).

Conditions:
USP9X-related disorder. Also called: USP9X-related condition.

Submission:

PreventionGenetics, part of Exact Sciences
Classification: Likely benign for USP9X-related condition. Last evaluated: 2024-10-15. Review status: criteria provided, single submitter. Criteria: ACMG Guidelines, 2015. Collection method: clinical testing. Allele origin: germline.
Comment: This variant is classified as likely benign based on ACMG/AMP sequence variant interpretation guidelines (Richards et al. 2015 PMID: 25741868, with internal and published modifications).